The following is an entry in ClinVar:

NM_000368.5(TSC1):c.3101G>A (p.Gly1034Asp)

Gene: TSC1 (TSC complex subunit 1; minus strand). Cytogenetic location: 9q34.13.
Variant type: single nucleotide variant.
Coding change: c.3101G>A on transcript NM_000368.5 (MANE Select); coding-DNA position 3101, G replaced by A.
Protein change: p.Gly1034Asp; replaces glycine 1034 with aspartic acid.
Molecular consequence: missense variant.
Genome position (GRCh38, 1-based): chr9:132,896,629, C>T on the plus strand (G>A on the coding strand, the complement: TSC1 is on the minus strand). VCF-style: chr9-132896629-C-T. GRCh37 (hg19) VCF-style: chr9-135772016-C-T.
Other names: c.3098G>A, p.Gly1033Asp (NM_001162426.2); c.2948G>A, p.Gly983Asp (NM_001162427.2); c.2738G>A, p.Gly913Asp (NM_001362177.2); short protein forms G1033D, G1034D, G913D, G983D.
Identifiers: ClinVar variation 1054555 (VCV001054555.12), dbSNP rs1034398735, ClinGen allele CA200925639.

ClinVar aggregate classification (germline): Uncertain significance. Review status: criteria provided, multiple submitters, no conflicts (2 of 4 stars). 2 submissions from 2 submitters: Uncertain significance (2). Last evaluated 2025-07-31.

Conditions:
Hereditary cancer-predisposing syndrome. Also called: Hereditary Cancer Syndrome; Tumor predisposition; Hereditary neoplastic syndrome; Neoplastic Syndromes, Hereditary. Identifiers: Orphanet 140162, MedGen C0027672, MeSH D009386, MONDO:0015356.
Tuberous sclerosis 1 (TSC1). Identifiers: Orphanet 805, MedGen C1854465, MONDO:0008612, OMIM 191100.

Allele frequency attached by ClinVar (database versions not stated): gnomAD 0.00001; TOPMed 0.00002.
gnomAD v4.1: 1 of 1,613,760 alleles (0.000062%); highest among the groups gnomAD compares: African/African-American, 0.0013%; no homozygotes.

Submissions (2):

Labcorp Genetics (formerly Invitae), Labcorp
Classification: Uncertain significance for Tuberous sclerosis 1. Last evaluated: 2025-07-31. Review status: criteria provided, single submitter. Criteria: Invitae Variant Classification Sherloc (09022015). Collection method: clinical testing. Allele origin: germline.
Comment: This sequence change replaces glycine, which is neutral and non-polar, with aspartic acid, which is acidic and polar, at codon 1034 of the TSC1 protein (p.Gly1034Asp). This variant is not present in population databases (gnomAD no frequency). This variant has not been reported in the literature in individuals affected with TSC1-related conditions. ClinVar contains an entry for this variant (Variation ID: 1054555). Invitae Evidence Modeling of protein sequence and biophysical properties (such as structural, functional, and spatial information, amino acid conservation, physicochemical variation, residue mobility, and thermodynamic stability) indicates that this missense variant is not expected to disrupt TSC1 protein function with a negative predictive value of 95%. In summary, the available evidence is currently insufficient to determine the role of this variant in disease. Therefore, it has been classified as a Variant of Uncertain Significance.

Ambry Genetics
Classification: Uncertain significance for Hereditary cancer-predisposing syndrome. Last evaluated: 2025-07-09. Review status: criteria provided, single submitter. Criteria: Ambry Variant Classification Scheme 2023. Collection method: clinical testing. Allele origin: germline.
Comment: The p.G1034D variant (also known as c.3101G>A), located in coding exon 21 of the TSC1 gene, results from a G to A substitution at nucleotide position 3101. The glycine at codon 1034 is replaced by aspartic acid, an amino acid with similar properties. This amino acid position is conserved. In addition, this alteration is predicted to be tolerated by in silico analysis. Since supporting evidence is limited at this time, the clinical significance of this alteration remains unclear.